The following is an entry in ClinVar:

ClinVar aggregate classification (germline): Uncertain significance (1 of 4 stars; one submission).

Conditions:
Congenital myasthenic syndrome 8. Also called: MYASTHENIC SYNDROME, CONGENITAL, DUE TO AGRIN DEFICIENCY; Myasthenic syndrome, congenital, 8, with pre- and postsynaptic defects. Identifiers: Orphanet 590, MedGen C3808739, MONDO:0014052, OMIM 615120.

Allele frequency attached by ClinVar (database versions not stated): gnomAD exomes 0.00001; gnomAD 0.00002; TOPMed 0.00002.
gnomAD v4.1: 19 of 1,612,404 alleles (0.0012%); highest among the groups gnomAD compares: South Asian, 0.0066%; no homozygotes.

Submission:

Labcorp Genetics (formerly Invitae), Labcorp
Classification: Uncertain significance for Congenital myasthenic syndrome 8. Last evaluated: 2025-06-23. Review status: criteria provided, single submitter. Criteria: Invitae Variant Classification Sherloc (09022015). Collection method: clinical testing. Allele origin: germline.
Comment: This sequence change replaces glycine, which is neutral and non-polar, with serine, which is neutral and polar, at codon 772 of the AGRN protein (p.Gly772Ser). This variant is present in population databases (no rsID available, gnomAD 0.004%). This variant has not been reported in the literature in individuals affected with AGRN-related conditions. ClinVar contains an entry for this variant (Variation ID: 1428118). An algorithm developed to predict the effect of missense changes on protein structure and function (PolyPhen-2) suggests that this variant is likely to be disruptive. In summary, the available evidence is currently insufficient to determine the role of this variant in disease. Therefore, it has been classified as a Variant of Uncertain Significance.

NM_198576.4(AGRN):c.2314G>A (p.Gly772Ser)

Gene: AGRN (agrin; plus strand). Cytogenetic location: 1p36.33.
Variant type: single nucleotide variant.
Coding change: c.2314G>A on transcript NM_198576.4 (MANE Select); coding-DNA position 2314, G replaced by A.
Protein change: p.Gly772Ser; replaces glycine 772 with serine.
Molecular consequence: missense variant.
Genome position (GRCh38, 1-based): chr1:1,045,220, G>A. VCF-style: chr1-1045220-G-A. GRCh37 (hg19) VCF-style: chr1-980600-G-A.
Other names: c.2314G>A, p.Gly772Ser (NM_001305275.2); c.1999G>A, p.Gly667Ser (NM_001364727.2); short protein forms G772S, G667S.
Identifiers: ClinVar variation 1428118 (VCV001428118.8), dbSNP rs1038647532, ClinGen allele CA16756491.